The following is an entry in ClinVar:

ClinVar aggregate classification (germline): Uncertain significance (1 of 4 stars; one submission).

Submission:

Labcorp Genetics (formerly Invitae), Labcorp
Classification: Uncertain significance. Last evaluated: 2026-01-07. Review status: criteria provided, single submitter. Criteria: Invitae Variant Classification Sherloc (09022015). Collection method: clinical testing. Allele origin: germline.
Comment: This sequence change replaces serine, which is neutral and polar, with proline, which is neutral and non-polar, at codon 137 of the CEP97 protein (p.Ser137Pro). This variant is not present in population databases (gnomAD no frequency). This variant has not been reported in the literature in individuals affected with CEP97-related conditions. Invitae Evidence Modeling of protein sequence and biophysical properties (such as structural, functional, and spatial information, amino acid conservation, physicochemical variation, residue mobility, and thermodynamic stability) indicates that this missense variant is not expected to disrupt CEP97 protein function with a negative predictive value of 80%. In summary, the available evidence is currently insufficient to determine the role of this variant in disease. Therefore, it has been classified as a Variant of Uncertain Significance.

NM_024548.4(CEP97):c.409T>C (p.Ser137Pro)

Gene: CEP97 (centrosomal protein 97; plus strand). Cytogenetic location: 3q12.3.
Variant type: single nucleotide variant.
Coding change: c.409T>C on transcript NM_024548.4 (MANE Select); coding-DNA position 409, T replaced by C.
Protein change: p.Ser137Pro; replaces serine 137 with proline.
Molecular consequence: missense variant. On other transcripts: intron variant (2).
Genome position (GRCh38, 1-based): chr3:101,728,899, T>C. VCF-style: chr3-101728899-T-C. GRCh37 (hg19) VCF-style: chr3-101447743-T-C.
Other names: c.409T>C, p.Ser137Pro (NM_001303401.2); c.345+1358T>C (NM_001410784.1, NM_001410785.1); short protein forms S137P.
Identifiers: ClinVar variation 4740563 (VCV004740563.1).